The following is an entry in ClinVar:

NM_006947.4(SRP72):c.1665AAAGAA[1] (p.Lys558_Lys559del)

Gene: SRP72 (signal recognition particle 72; plus strand). Cytogenetic location: 4q12.
Variant type: Microsatellite.
Coding change: c.1665AAAGAA[1] on transcript NM_006947.4 (MANE Select); one copy of the 6-base unit AAAGAA starting at c.1665; the reference has two copies in a row; one copy, 6 bases deleted.
Protein change: p.Lys558_Lys559del.
Molecular consequence: inframe deletion. On other transcripts: non-coding transcript variant (1).
Genome position (GRCh38, 1-based): chr4:56,495,387-56,495,392, AAAGAA deleted; deleting any 6 consecutive bases within chr4:56,495,376-56,495,392 gives the same sequence; the position shown is the placement nearest the transcript's 3' end. VCF-style (leftmost placement, unchanged base first): chr4-56495375-GAAGAAA-G. GRCh37 (hg19) VCF-style: chr4-57361541-GAAGAAA-G.
Other names: c.1482AAAGAA[1], p.Lys497_Lys498del (NM_001267722.2).
Identifiers: ClinVar variation 4699470 (VCV004699470.1).

ClinVar aggregate classification (germline): Uncertain significance (1 of 4 stars; one submission).

Submission:

Labcorp Genetics (formerly Invitae), Labcorp
Classification: Uncertain significance. Last evaluated: 2025-12-23. Review status: criteria provided, single submitter. Criteria: Invitae Variant Classification Sherloc (09022015). Collection method: clinical testing. Allele origin: germline.
Comment: This variant, c.1671_1676del, results in the deletion of 2 amino acid(s) of the SRP72 protein (p.Lys558_Lys559del), but otherwise preserves the integrity of the reading frame. This variant is present in population databases (rs772260748, gnomAD 0.009%). This variant has not been reported in the literature in individuals affected with SRP72-related conditions. Experimental studies and prediction algorithms are not available or were not evaluated, and the functional significance of this variant is currently unknown. In summary, the available evidence is currently insufficient to determine the role of this variant in disease. Therefore, it has been classified as a Variant of Uncertain Significance.